The following is an entry in ClinVar:

NM_152559.3(METTL27):c.150G>A (p.Ala50=)

Gene: METTL27 (methyltransferase like 27; minus strand). Cytogenetic location: 7q11.23.
Variant type: single nucleotide variant.
Coding change: c.150G>A on transcript NM_152559.3 (MANE Select); coding-DNA position 150, G replaced by A.
Protein change: p.Ala50=; no amino-acid change (alanine 50 retained).
Molecular consequence: synonymous variant.
Genome position (GRCh38, 1-based): chr7:73,841,172, C>T on the plus strand (G>A on the coding strand, the complement: METTL27 is on the minus strand). VCF-style: chr7-73841172-C-T. GRCh37 (hg19) VCF-style: chr7-73255502-C-T.
Identifiers: ClinVar variation 5039266 (VCV005039266.1).

ClinVar aggregate classification (germline): Likely benign (1 of 4 stars; one submission).

gnomAD v4.1: 118 of 1,552,780 alleles (0.0076%); highest among the groups gnomAD compares: Non-Finnish European, 0.0098%; no homozygotes.

Submission:

CeGaT Center for Human Genetics Tuebingen
Classification: Likely benign. Last evaluated: 2026-07-01. Review status: criteria provided, single submitter. Criteria: CeGaT Center For Human Genetics Tuebingen Variant Classification Criteria Version 2. Collection method: clinical testing. Allele origin: germline. Affected: yes. Observed: 1 variant allele.
Comment: METTL27: BP4, BP7